The following is an entry in ClinVar:

NM_002098.6(GUCA1B):c.422C>T (p.Thr141Ile)

Gene: GUCA1B (guanylate cyclase activator 1B; minus strand). Cytogenetic location: 6p21.1.
Variant type: single nucleotide variant.
Coding change: c.422C>T on transcript NM_002098.6 (MANE Select); coding-DNA position 422, C replaced by T.
Protein change: p.Thr141Ile; replaces threonine 141 with isoleucine.
Molecular consequence: missense variant.
Genome position (GRCh38, 1-based): chr6:42,185,733, G>A on the plus strand (C>T on the coding strand, the complement: GUCA1B is on the minus strand). VCF-style: chr6-42185733-G-A. GRCh37 (hg19) VCF-style: chr6-42153471-G-A.
Other names: short protein forms T141I.
Identifiers: ClinVar variation 1024131 (VCV001024131.10), dbSNP rs769924304, ClinGen allele CA3805562.

ClinVar aggregate classification (germline): Uncertain significance. Review status: criteria provided, multiple submitters, no conflicts (2 of 4 stars). 2 submissions from 2 submitters: Uncertain significance (2). Last evaluated 2020-02-18.

Conditions:
Retinitis pigmentosa 48 (RP48). Also called: GUCA1B-Related Retinitis Pigmentosa. Identifiers: Orphanet 791, MedGen C3151190, MONDO:0013447, OMIM 613827.

Allele frequency attached by ClinVar (database versions not stated): gnomAD exomes below 0.00001 and 0.00001; ExAC 0.00002.

Submissions (2):

Labcorp Genetics (formerly Invitae), Labcorp
Classification: Uncertain significance. Last evaluated: 2020-02-18. Review status: criteria provided, single submitter. Criteria: Invitae Variant Classification Sherloc (09022015). Collection method: clinical testing. Allele origin: germline.
Comment: This sequence change replaces threonine with isoleucine at codon 141 of the GUCA1B protein (p.Thr141Ile). The threonine residue is highly conserved and there is a moderate physicochemical difference between threonine and isoleucine. This variant is present in population databases (rs769924304, ExAC 0.01%). This variant has not been reported in the literature in individuals with GUCA1B-related conditions. Algorithms developed to predict the effect of missense changes on protein structure and function are either unavailable or do not agree on the potential impact of this missense change (SIFT: "Deleterious"; PolyPhen-2: "Probably Damaging"; Align-GVGD: "Class C15"). In summary, the available evidence is currently insufficient to determine the role of this variant in disease. Therefore, it has been classified as a Variant of Uncertain Significance.

Neuberg Centre For Genomic Medicine, NCGM
Classification: Uncertain significance for Retinitis pigmentosa 48. Review status: criteria provided, single submitter. Criteria: ACMG Guidelines, 2015. Collection method: clinical testing. Allele origin: germline. Inheritance: Autosomal dominant inheritance. Affected: yes.
Comment: The missense variant c.422C>T (p.Thr141Ile) in the GUCA1B gene has not been reported previously as a pathogenic variant nor as a benign variant, to our knowledge. This variant is reported with the allele frequency (0.0007%) in the gnomAD Exomes. This variant has been reported to the ClinVar database as Uncertain Significance. However, no details are available for independent assessment. The amino acid Threonine at position 141 is changed to a Isoleucine changing protein sequence and it might alter its composition and physico- chemical properties. Computational evidence (Polyphen, SIFT and MutationTaster) predicts conflicting evidence on protein structure and function for this variant. The amino acid change p.Thr141Ile in GUCA1B is predicted as conserved by GERP++ and PhyloP across 100 vertebrates. For these reasons, this variant has been classified as Uncertain Significance.